The following is an entry in ClinVar:

NM_000428.3(LTBP2):c.1959_1960delinsTT (p.Met653Ile)

Gene: LTBP2 (latent transforming growth factor beta binding protein 2; minus strand). Cytogenetic location: 14q24.3.
Variant type: Indel.
Coding change: c.1959_1960delinsTT on transcript NM_000428.3 (MANE Select); coding-DNA positions 1959 to 1960, GC replaced by TT.
Protein change: p.Met653Ile; replaces methionine 653 with isoleucine.
Molecular consequence: missense variant.
Genome position (GRCh38, 1-based): chr14:74,532,453-74,532,454, GC replaced by AA on the plus strand (GC replaced by TT on the coding strand, the reverse complement: LTBP2 is on the minus strand). VCF-style: chr14-74532453-GC-AA. GRCh37 (hg19) VCF-style: chr14-74999156-GC-AA.
Other names: short protein forms M653I.
Identifiers: ClinVar variation 1906473 (VCV001906473.2), dbSNP rs2506156673, ClinGen allele CA2580088722.

ClinVar aggregate classification (germline): Uncertain significance (1 of 4 stars; one submission).

Submission:

Labcorp Genetics (formerly Invitae), Labcorp
Classification: Uncertain significance. Last evaluated: 2022-07-29. Review status: criteria provided, single submitter. Criteria: Invitae Variant Classification Sherloc (09022015). Collection method: clinical testing. Allele origin: germline.
Comment: This sequence change replaces methionine, which is neutral and non-polar, with isoleucine, which is neutral and non-polar, at codon 653 of the LTBP2 protein (p.Met653Ile). Information on the frequency of this variant in the gnomAD database is not available, as this variant may be reported differently in the database. This variant has not been reported in the literature in individuals affected with LTBP2-related conditions. Experimental studies and prediction algorithms are not available or were not evaluated, and the functional significance of this variant is currently unknown. In summary, the available evidence is currently insufficient to determine the role of this variant in disease. Therefore, it has been classified as a Variant of Uncertain Significance.